The following is an entry in ClinVar:

ClinVar aggregate classification (germline): Likely pathogenic (1 of 4 stars; one submission).

Conditions:
LAMA2-related muscular dystrophy (LAMA2-RD). Also called: Laminin alpha 2-related dystrophy. Identifiers: MedGen C5679788, MONDO:0100228.

Submission:

Myriad Genetics, Inc.
Classification: Likely pathogenic for LAMA2-related muscular dystrophy. Last evaluated: 2020-01-31. Review status: criteria provided, single submitter. Criteria: Myriad Autosomal Dominant, Autosomal Recessive and X-Linked Classification Criteria (2023). Collection method: clinical testing. Allele origin: unknown.
Comment: NM_000426.3(LAMA2):c.1051G>T(E351*) is expected to be pathogenic in the context of LAMA2-related muscular dystrophy. This variant is predicted to lead to an abnormal or absent protein product due to the creation of a premature termination codon in LAMA2, a gene where loss-of-function variants are known to be pathogenic. Please note: this variant was assessed in the context of healthy population screening.

NM_000426.4(LAMA2):c.1051G>T (p.Glu351Ter)

Gene: LAMA2 (laminin subunit alpha 2; plus strand). Cytogenetic location: 6q22.33.
Variant type: single nucleotide variant.
Coding change: c.1051G>T on transcript NM_000426.4 (MANE Select); coding-DNA position 1051, G replaced by T.
Protein change: p.Glu351Ter; replaces glutamic acid 351 with a stop codon.
Molecular consequence: nonsense.
Genome position (GRCh38, 1-based): chr6:129,154,528, G>T. VCF-style: chr6-129154528-G-T. GRCh37 (hg19) VCF-style: chr6-129475673-G-T.
Other names: c.1051G>T, p.Glu351Ter (NM_001079823.2); short protein forms E351*.
Identifiers: ClinVar variation 983908 (VCV000983908.4), dbSNP rs1778991422, ClinGen allele CA365606806.